The following is an entry in ClinVar:

ClinVar aggregate classification (germline): Uncertain significance (1 of 4 stars; one submission).

gnomAD v4.1: 26 of 1,614,066 alleles (0.0016%); highest among the groups gnomAD compares: Non-Finnish European, 0.0021%; no homozygotes.

Submission:

Labcorp Genetics (formerly Invitae), Labcorp
Classification: Uncertain significance. Last evaluated: 2023-07-22. Review status: criteria provided, single submitter. Criteria: Invitae Variant Classification Sherloc (09022015). Collection method: clinical testing. Allele origin: germline.
Comment: This variant has not been reported in the literature in individuals affected with SIAE-related conditions. An algorithm developed to predict the effect of missense changes on protein structure and function (PolyPhen-2) suggests that this variant is likely to be tolerated. In summary, the available evidence is currently insufficient to determine the role of this variant in disease. Therefore, it has been classified as a Variant of Uncertain Significance. This variant is present in population databases (rs766290004, gnomAD 0.003%). This sequence change replaces arginine, which is basic and polar, with glycine, which is neutral and non-polar, at codon 314 of the SIAE protein (p.Arg314Gly).

NM_170601.5(SIAE):c.940C>G (p.Arg314Gly)

Gene: SIAE (sialic acid acetylesterase; minus strand). Cytogenetic location: 11q24.2.
Variant type: single nucleotide variant.
Coding change: c.940C>G on transcript NM_170601.5 (MANE Select); coding-DNA position 940, C replaced by G.
Protein change: p.Arg314Gly; replaces arginine 314 with glycine.
Molecular consequence: missense variant.
Genome position (GRCh38, 1-based): chr11:124,647,391, G>C on the plus strand (C>G on the coding strand, the complement: SIAE is on the minus strand). VCF-style: chr11-124647391-G-C. GRCh37 (hg19) VCF-style: chr11-124517287-G-C.
Other names: c.835C>G, p.Arg279Gly (NM_001199922.2); short protein forms R279G, R314G.
Identifiers: ClinVar variation 3015495 (VCV003015495.3), dbSNP rs766290004, ClinGen allele CA6341367.